The following is an entry in ClinVar:

NM_006904.7(PRKDC):c.2232T>A (p.Asp744Glu)

Gene: PRKDC (protein kinase, DNA-activated, catalytic subunit; minus strand). Cytogenetic location: 8q11.21.
Variant type: single nucleotide variant.
Coding change: c.2232T>A on transcript NM_006904.7 (MANE Select); coding-DNA position 2232, T replaced by A.
Protein change: p.Asp744Glu; replaces aspartic acid 744 with glutamic acid.
Molecular consequence: missense variant.
Genome position (GRCh38, 1-based): chr8:47,927,798, A>T on the plus strand (T>A on the coding strand, the complement: PRKDC is on the minus strand). VCF-style: chr8-47927798-A-T. GRCh37 (hg19) VCF-style: chr8-48840358-A-T.
Other names: c.2232T>A, p.Asp744Glu (NM_001081640.2); short protein forms D744E.
Identifiers: ClinVar variation 1788143 (VCV001788143.6), dbSNP rs1236434163, ClinGen allele CA371162502.

ClinVar aggregate classification (germline): Uncertain significance. Review status: criteria provided, multiple submitters, no conflicts (2 of 4 stars). 2 submissions from 2 submitters: Uncertain significance (2). Last evaluated 2025-11-20.

Conditions:
Severe combined immunodeficiency due to DNA-PKcs deficiency. Also called: Immunodeficiency 26 with or without neurologic abnormalities; IMMUNODEFICIENCY 26 WITH NEUROLOGIC ABNORMALITIES. Identifiers: Orphanet 317425, MedGen C4014833, MONDO:0014423, OMIM 615966.

Allele frequency attached by ClinVar (database versions not stated): gnomAD 0.00001; TOPMed 0.00001.
gnomAD v4.1: 6 of 1,583,684 alleles (0.00038%); highest among the groups gnomAD compares: Non-Finnish European, 0.00043%; no homozygotes.

Submissions (2):

Ambry Genetics
Classification: Uncertain significance. Last evaluated: 2025-11-20. Review status: criteria provided, single submitter. Criteria: Ambry Variant Classification Scheme 2023. Collection method: clinical testing. Allele origin: germline.

Labcorp Genetics (formerly Invitae), Labcorp
Classification: Uncertain significance for Severe combined immunodeficiency due to DNA-PKcs deficiency. Last evaluated: 2024-01-29. Review status: criteria provided, single submitter. Criteria: Invitae Variant Classification Sherloc (09022015). Collection method: clinical testing. Allele origin: germline.
Comment: This sequence change replaces aspartic acid, which is acidic and polar, with glutamic acid, which is acidic and polar, at codon 744 of the PRKDC protein (p.Asp744Glu). This variant is present in population databases (no rsID available, gnomAD 0.001%). This variant has not been reported in the literature in individuals affected with PRKDC-related conditions. ClinVar contains an entry for this variant (Variation ID: 1788143). Advanced modeling of protein sequence and biophysical properties (such as structural, functional, and spatial information, amino acid conservation, physicochemical variation, residue mobility, and thermodynamic stability) performed at Invitae indicates that this missense variant is expected to disrupt PRKDC protein function with a positive predictive value of 80%. In summary, the available evidence is currently insufficient to determine the role of this variant in disease. Therefore, it has been classified as a Variant of Uncertain Significance.